The following is an entry in ClinVar:

NM_004415.4(DSP):c.3805C>T (p.Arg1269Ter)

Gene: DSP (desmoplakin; plus strand). Cytogenetic location: 6p24.3.
Variant type: single nucleotide variant.
Coding change: c.3805C>T on transcript NM_004415.4 (MANE Select); coding-DNA position 3805, C replaced by T.
Protein change: p.Arg1269Ter; replaces arginine 1269 with a stop codon.
Molecular consequence: nonsense. On other transcripts: intron variant (1).
Genome position (GRCh38, 1-based): chr6:7,579,995, C>T. VCF-style: chr6-7579995-C-T. GRCh37 (hg19) VCF-style: chr6-7580228-C-T.
Other names: p.R1269*:CGA>TGA; c.3805C>T (LRG_423t1); c.3805C>T, p.Arg1269Ter (NM_001319034.2); c.3582+223C>T (NM_001008844.3); short protein forms R1269*.
Identifiers: ClinVar variation 199881 (VCV000199881.31), dbSNP rs767643821, ClinGen allele CA004265.

ClinVar aggregate classification (germline): Pathogenic/Likely pathogenic. Review status: criteria provided, multiple submitters, no conflicts (2 of 4 stars). 14 submissions from 14 submitters: Pathogenic (12); Likely pathogenic (1). 1 of the submissions does not count toward it. Last evaluated 2026-04-07.

Conditions:
DSP-related disorder. Also called: DSP-related condition; DSP-related disorders.
Arrhythmogenic right ventricular dysplasia 8 (ARVD8). Also called: ARRHYTHMOGENIC RIGHT VENTRICULAR DYSPLASIA, FAMILIAL, 8; Arrhythmogenic Right Ventricular Dysplasia/Cardiomyopathy 8; ARRHYTHMOGENIC RIGHT VENTRICULAR CARDIOMYOPATHY 8. Identifiers: MedGen C1843896, MONDO:0011831, OMIM 607450.
Cardiomyopathy, dilated, with wooly hair, keratoderma, and tooth agenesis. Also called: Erythrokeratodermia-cardiomyopathy syndrome; Cardiomyopathy, dilated, with woolly hair, keratoderma, and tooth agenesis. Identifiers: Orphanet 476096, Orphanet 65282, MedGen C4014393, MONDO:0014355, OMIM 615821.
Cardiovascular phenotype. Identifiers: MedGen CN230736.
Familial isolated arrhythmogenic right ventricular dysplasia. Identifiers: Orphanet 217656, MedGen C4274968, MONDO:0016342.
Arrhythmogenic cardiomyopathy with wooly hair and keratoderma. Also called: Arrhythmogenic cardiomyopathy with woolly hair and keratoderma; PALMOPLANTAR KERATODERMA WITH LEFT VENTRICULAR CARDIOMYOPATHY AND WOOLLY HAIR; Dilated cardiomyopathy with woolly hair and keratoderma; Carvajal syndrome. Identifiers: Orphanet 65282, MedGen C1854063, MONDO:0011581, OMIM 605676.
Cardiomyopathy (CMYO). Also called: Cardiomyopathies. Identifiers: Orphanet 167848, MedGen C0878544, MONDO:0004994, HP:0001638. Inheritance: Various modes of inheritance.

Allele frequency attached by ClinVar (database versions not stated): gnomAD 0.00001.
gnomAD v4.1: 8 of 1,613,940 alleles (0.0005%); highest among the groups gnomAD compares: Non-Finnish European, 0.00068%; no homozygotes.

Submissions 1 to 7 of 14:

Victorian Clinical Genetics Services, Murdoch Childrens Research Institute
Classification: Pathogenic for Arrhythmogenic right ventricular dysplasia 8. Last evaluated: 2026-04-07. Review status: criteria provided, single submitter. Criteria: ACMG Guidelines, 2015. Collection method: clinical testing. Allele origin: germline. Affected: yes.
Comment: This variant is classified as Pathogenic. Evidence in support of pathogenic classification: Variant is predicted to cause nonsense-mediated decay (NMD) and loss of protein (premature termination codon is located at least 54 nucleotides upstream of the final exon-exon junction); Variant is present in gnomAD <0.001 for a dominant condition (v4: 8 heterozygote(s), 0 homozygote(s); This variant has strong previous evidence of pathogenicity in unrelated individuals. This variant has been classified as pathogenic or likely pathogenic by multiple clinical laboratories in ClinVar. It has also been reported in the literature in individuals with syncope, sustained ventricular tachycardia and right ventricular wall aneurysm and in a case of sudden cardiac death (PMIDs: 23137101, 26383259); Other NMD-predicted variant(s) comparable to the one identified in this case have very strong previous evidence for pathogenicity (DECIPHER). Additional information: This variant is heterozygous; This gene is associated with both recessive and dominant disease. Variants in this gene are usually inherited in a dominant manner; however there are rare reports of recessive inheritance resulting in a more severe cardiac phenotype (OMIM); Loss of function is a known mechanism of disease in this gene and is associated with arrhythmogenic right ventricular dysplasia 8 (MIM#607450) and other DSP-related cardiac disorders; The condition associated with this gene has incomplete penetrance. In families with cardiomyopathies, reduced penetrance has been reported among family members aged 60-86 years (PMID: 36580316); Variants in this gene are known to have variable expressivity. Age-dependent penetrance and variable expressivity are well-described aspects of arrhythmogenic cardiomyopathy (PMID: 29062697).

CeGaT Center for Human Genetics Tuebingen
Classification: Pathogenic. Last evaluated: 2026-01-01. Review status: criteria provided, single submitter. Criteria: CeGaT Center For Human Genetics Tuebingen Variant Classification Criteria Version 2. Collection method: clinical testing. Allele origin: germline. Affected: yes. Observed: 1 variant allele.
Comment: DSP: PVS1, PM2, PS4:Supporting

Labcorp Genetics (formerly Invitae), Labcorp
Classification: Pathogenic for Arrhythmogenic cardiomyopathy with wooly hair and keratoderma; Arrhythmogenic right ventricular dysplasia 8. Last evaluated: 2025-11-20. Review status: criteria provided, single submitter. Criteria: Invitae Variant Classification Sherloc (09022015). Collection method: clinical testing. Allele origin: germline.
Comment: This sequence change creates a premature translational stop signal (p.Arg1269*) in the DSP gene. It is expected to result in an absent or disrupted protein product. Loss-of-function variants in DSP are known to be pathogenic (PMID: 20716751, 24503780, 25227139, 30398466). This variant is present in population databases (rs767643821, gnomAD 0.0009%). This premature translational stop signal has been observed in individual(s) with clinical features of arrhythmogenic right ventricular cardiomyopathy (PMID: 23137101). ClinVar contains an entry for this variant (Variation ID: 199881). For these reasons, this variant has been classified as Pathogenic.

Women's Health and Genetics/Laboratory Corporation of America, LabCorp
Classification: Pathogenic for Familial isolated arrhythmogenic right ventricular dysplasia. Last evaluated: 2025-06-25. Review status: criteria provided, single submitter. Criteria: LabCorp Variant Classification Summary - May 2015. Collection method: clinical testing. Allele origin: germline.
Comment: Variant summary: DSP c.3805C>T (p.Arg1269X) results in a premature termination codon, predicted to cause a truncation of the encoded protein or absence of the protein due to nonsense mediated decay, which are commonly known mechanisms for disease. The variant allele was found at a frequency of 4e-06 in 250796 control chromosomes. c.3805C>T has been observed in individual(s) affected with Arrhythmogenic Right Ventricular Dysplasia/Cardiomyopathy (e.g. Rasmussen_2014) . To our knowledge, no experimental evidence demonstrating an impact on protein function has been reported. The following publication have been ascertained in the context of this evaluation (PMID: 24704780). ClinVar contains an entry for this variant (Variation ID: 199881). Based on the evidence outlined above, the variant was classified as pathogenic.

Color Diagnostics, LLC DBA Color Health
Classification: Pathogenic for Cardiomyopathy. Last evaluated: 2024-04-17. Review status: criteria provided, single submitter. Criteria: ACMG Guidelines, 2015. Collection method: clinical testing. Allele origin: germline.
Comment: This variant changes 1 nucleotide in exon 23 of the DSP gene, creating a premature translation stop signal. This variant is expected to result in an absent or non-functional protein product. A study has shown decreased variant transcript and protein expression in keratinocytes and endocardium biopsy samples from carriers, indicating potential haploinsufficiency through nonsense-mediated mRNA decay (PMID: 23137101). This variant has been reported in four individuals from a family affected with arrhythmogenic right ventricular cardiomyopathy, including 1 clinically symptomatic individual, 2 carriers with varying degrees of subclinical phenotype presentations, and 1 asymptomatic carrier (PMID: 23137101). This variant has also been reported in an individual affected with dilated cardiomyopathy (PMID: 28436997), sudden cardiac death (PMID: 26383259), and arrhythmias (PMID: 34930020). This variant has been identified in 1/250796 chromosomes in the general population by the Genome Aggregation Database (gnomAD). Loss of DSP function is a known mechanism of disease. Based on the available evidence, this variant is classified as Pathogenic.

All of Us Research Program, National Institutes of Health
Classification: Pathogenic for Arrhythmogenic cardiomyopathy with wooly hair and keratoderma. Last evaluated: 2023-08-08. Review status: criteria provided, single submitter. Criteria: ACMG Guidelines, 2015. Collection method: clinical testing. Allele origin: germline. Inheritance: Autosomal dominant inheritance. Observed: 1 variant allele, 1 heterozygote.
Comment: This variant changes 1 nucleotide in exon 23 of the DSP gene, creating a premature translation stop signal. This variant is expected to result in an absent or non-functional protein product. A study has shown decreased variant transcript and protein expression in keratinocytes and endocardium biopsy samples from carriers, indicating potential haploinsufficiency through nonsense-mediated mRNA decay (PMID: 23137101). This variant has been reported in four individuals from a family affected with arrhythmogenic right ventricular cardiomyopathy, including 1 clinically symptomatic individual, 2 carriers with varying degrees of subclinical phenotype presentations, and 1 asymptomatic carrier (PMID: 23137101). This variant has been identified in 1/250796 chromosomes in the general population by the Genome Aggregation Database (gnomAD). Loss of DSP function is a known mechanism of disease. Based on the available evidence, this variant is classified as Pathogenic.

This study involves interpretation of variants in research participants for the purpose of population health screening. Participant phenotype was not available at the time of variant classification. Additional details can be found in publication PMID: 35346344, PMCID: PMC8962531

GeneDx
Classification: Pathogenic. Last evaluated: 2023-02-02. Review status: criteria provided, single submitter. Criteria: GeneDx Variant Classification Process June 2021. Collection method: clinical testing. Allele origin: germline. Affected: yes.
Comment: Nonsense variant predicted to result in protein truncation or nonsense mediated decay in a gene for which loss-of-function is a known mechanism of disease; Not observed at significant frequency in large population cohorts (gnomAD); This variant is associated with the following publications: (PMID: 26383259, 28436997, 31447099, Glazer2021[preprint], 31402444, 34515413, 23137101)